The following is an entry in ClinVar:

ClinVar aggregate classification (germline): Pathogenic. Review status: criteria provided, multiple submitters, no conflicts (2 of 4 stars). 9 submissions from 9 submitters: Pathogenic (8). 1 of the submissions does not count toward it. Last evaluated 2025-12-24.

Conditions:
NPC1-related disorder. Also called: NPC1-related condition.
Niemann-Pick disease, type C (NPC). Identifiers: Orphanet 646, MedGen C0220756, MONDO:0018982.
Niemann-Pick disease, type C1. Also called: NEUROVISCERAL STORAGE DISEASE WITH VERTICAL SUPRANUCLEAR OPHTHALMOPLEGIA; NIEMANN-PICK DISEASE WITH CHOLESTEROL ESTERIFICATION BLOCK; NIEMANN-PICK DISEASE WITHOUT SPHINGOMYELINASE DEFICIENCY; NIEMANN-PICK DISEASE, CHRONIC NEURONOPATHIC FORM; NIEMANN-PICK DISEASE, VARIANT TYPE C1. Identifiers: Orphanet 646, MedGen C3179455, MONDO:0009757, OMIM 257220.

Allele frequency attached by ClinVar (database versions not stated): gnomAD 0.00001; gnomAD exomes 0.00002 and 0.00004; TOPMed 0.00003; ExAC 0.00004; ESP Exome Variant Server 0.00008.
gnomAD v4.1: 34 of 1,613,952 alleles (0.0021%); highest among the groups gnomAD compares: Admixed American, 0.005%; no homozygotes.

Submissions (9):

PreventionGenetics, part of Exact Sciences
Classification: Pathogenic for NPC1-related condition. Last evaluated: 2025-12-24. Review status: criteria provided, single submitter. Criteria: ACMG Guidelines, 2015. Collection method: clinical testing. Allele origin: germline.
Comment: The NPC1 c.1211G>A variant is predicted to result in the amino acid substitution p.Arg404Gln. This variant was reported in the homozygous state or in the heterozygous state along with a second potentially causative variant in several individuals with Niemann-Pick disease, type C (Meiner et al. 2001. PubMed ID: 11545687; Havla et al. 2020. PubMed ID: 32222928; Millat et al. 2001. PubMed ID: 11333381; Imrie et al. 2015. PubMed ID: 26666848). In vitro functional studies indicate that the p.Arg404Gln variant impairs the ability of NPC1 to bind NPC2 (Deffieu and Pleffer. 2011. PubMed ID: 22065762). This variant is reported in 0.0087% of alleles in individuals of Latino descent in gnomAD. This variant is interpreted as pathogenic.

Natera, Inc.
Classification: Pathogenic for Niemann-Pick disease type C1. Last evaluated: 2025-12-08. Review status: criteria provided, single submitter. Criteria: Natera Variant Classification Schema (03/2026). Collection method: clinical testing. Allele origin: germline.
Comment: The c.1211G>A variant in NPC1 is a missense variant predicted to cause substitution of arginine to glutamine at amino acid 404. This variant is rare in the general population with a frequency below the threshold expected for the associated phenotype(s). This variant has been observed in one or more individuals affected with the associated recessive disease, as either homozygous or compound heterozygous with a second variant (PMID: 11545687, 11349231, 35007562, 32222928). Computational prediction algorithms indicate this variant is likely to affect gene or protein function. Given the available evidence, this variant is classified as Pathogenic.

GeneDx
Classification: Pathogenic. Last evaluated: 2024-07-26. Review status: criteria provided, single submitter. Criteria: GeneDx Variant Classification Process June 2021. Collection method: clinical testing. Allele origin: germline. Affected: yes.
Comment: Relatively common in affected patients, occurring on 3.1% of NPC1 alleles (PMID: 12955717); Published functional studies demonstrate R404Q significantly decreased binding to NPC2 compared the wild-type protein (PMID: 22065762); Not observed at significant frequency in large population cohorts (gnomAD); This variant is associated with the following publications: (PMID: 12974729, 27307437, 26666848, 11333381, 10480349, 15465421, 11545687, 30188717, 11349231, 27581084, 19744920, 26981555, 32222928, 32317543, 38178268, 12955717, 22065762)

Labcorp Genetics (formerly Invitae), Labcorp
Classification: Pathogenic for Niemann-Pick disease, type C1. Last evaluated: 2024-03-24. Review status: criteria provided, single submitter. Criteria: Invitae Variant Classification Sherloc (09022015). Collection method: clinical testing. Allele origin: germline.
Comment: This sequence change replaces arginine, which is basic and polar, with glutamine, which is neutral and polar, at codon 404 of the NPC1 protein (p.Arg404Gln). This variant is present in population databases (rs139751448, gnomAD 0.009%). This missense change has been observed in individual(s) with Nieman-Pick disease type C (PMID: 11349231, 11545687, 26666848, 27581084; Invitae). In at least one individual the data is consistent with being in trans (on the opposite chromosome) from a pathogenic variant. ClinVar contains an entry for this variant (Variation ID: 188794). Advanced modeling of protein sequence and biophysical properties (such as structural, functional, and spatial information, amino acid conservation, physicochemical variation, residue mobility, and thermodynamic stability) performed at Invitae indicates that this missense variant is expected to disrupt NPC1 protein function with a positive predictive value of 95%. Experimental studies have shown that this missense change affects NPC1 function (PMID: 22065762). Algorithms developed to predict the effect of sequence changes on RNA splicing suggest that this variant may create or strengthen a splice site. For these reasons, this variant has been classified as Pathogenic.

Blueprint Genetics
Classification: Pathogenic for NPC1-related disorders. Last evaluated: 2020-09-16. Review status: criteria provided, single submitter. Criteria: ACMG Guidelines, 2015. Collection method: clinical testing. Allele origin: germline. Affected: yes. Observed: 3 variant alleles.

Fulgent Genetics
Classification: Pathogenic for Niemann-Pick disease, type C1. Last evaluated: 2018-10-31. Review status: criteria provided, single submitter. Criteria: ACMG Guidelines, 2015. Collection method: clinical testing. Allele origin: unknown.

Genetic Services Laboratory, University of Chicago
Classification: Pathogenic for Niemann-Pick disease, type C1. Last evaluated: 2017-03-24. Review status: criteria provided, single submitter. Criteria: ACMG Guidelines, 2015. Collection method: clinical testing. Allele origin: germline. Affected: yes.

Women's Health and Genetics/Laboratory Corporation of America, LabCorp
Classification: Pathogenic for Niemann-Pick disease, type C. Last evaluated: 2016-12-01. Review status: criteria provided, single submitter. Criteria: LabCorp Variant Classification Summary - May 2015. Collection method: clinical testing. Allele origin: germline.
Comment: Variant summary: The c.1211G>A (p.Arg404Gln) in NPC1 gene is a missense change that alters a highly conserved nucleotide and 4/5 in silico tools predict deleterious outcome. These predictions were also confirmed by functional studies, where very low esterification values were found in fibroblasts of a patient homozygous for R404Q. The variant is present in the large control population dataset of ExAC at a frequency 0.000041 (5/121346 chrs tested), which does not exceed the estimated maximal expected allele frequency of a pathogenic variant (0.0028). The variant was identified in multiple affected individuals with established dx of classical NPC. Lastly, multiple reputable diagnostic centers classified the variant of interest as Pathogenic. Taken together, the variant was classified as Pathogenic.

Counsyl
Classification: Pathogenic for Niemann-Pick disease, type C1. Last evaluated: 2019-01-23. Review status: no assertion criteria provided. Collection method: clinical testing. Allele origin: unknown. Not counted in ClinVar's aggregate classification.

Literature cited by the submitters: PubMed 11545687 (cited by 4 submitters); PubMed 11349231 (cited by 3 submitters); PubMed 35007562 (cited by Natera, Inc.); PubMed 32222928 (cited by Natera, Inc.); PubMed 26666848 (cited by Labcorp Genetics (formerly Invitae), Labcorp and Counsyl); PubMed 27581084 (cited by Labcorp Genetics (formerly Invitae), Labcorp); PubMed 22065762 (cited by Labcorp Genetics (formerly Invitae), Labcorp); PubMed 26981555 (cited by Women's Health and Genetics/Laboratory Corporation of America, LabCorp and Counsyl); PubMed 12955717 (cited by Women's Health and Genetics/Laboratory Corporation of America, LabCorp and Counsyl); PubMed 11333381 (cited by Women's Health and Genetics/Laboratory Corporation of America, LabCorp and Counsyl); PubMed 19744920 (cited by Women's Health and Genetics/Laboratory Corporation of America, LabCorp); PubMed 27139891 (cited by Counsyl).

NM_000271.5(NPC1):c.1211G>A (p.Arg404Gln)

Gene: NPC1 (NPC intracellular cholesterol transporter 1; minus strand). Cytogenetic location: 18q11.2.
Variant type: single nucleotide variant.
Coding change: c.1211G>A on transcript NM_000271.5 (MANE Select); coding-DNA position 1211, G replaced by A.
Protein change: p.Arg404Gln; replaces arginine 404 with glutamine.
Molecular consequence: missense variant.
Genome position (GRCh38, 1-based): chr18:23,556,358, C>T on the plus strand (G>A on the coding strand, the complement: NPC1 is on the minus strand). VCF-style: chr18-23556358-C-T. GRCh37 (hg19) VCF-style: chr18-21136322-C-T.
Other names: short protein forms R404Q.
Identifiers: ClinVar variation 188794 (VCV000188794.27), dbSNP rs139751448, ClinGen allele CA273968.